The following is an entry in ClinVar:

ClinVar aggregate classification (germline): Uncertain significance (1 of 4 stars; one submission).

Conditions:
Adenylosuccinate lyase deficiency (ADSLD). Also called: ADSL DEFICIENCY. Identifiers: Orphanet 46, MedGen C0268126, MONDO:0007068, OMIM 103050.

Allele frequency attached by ClinVar (database versions not stated): gnomAD below 0.00001 and 0.00001; gnomAD exomes below 0.00001.
gnomAD v4.1: 4 of 1,614,042 alleles (0.00025%); highest among the groups gnomAD compares: South Asian, 0.0022%; no homozygotes.

Submission:

Illumina Laboratory Services, Illumina
Classification: Uncertain significance for Adenylosuccinate lyase deficiency. Last evaluated: 2017-04-27. Review status: criteria provided, single submitter. Criteria: ICSL Variant Classification Criteria 13 December 2019. Collection method: clinical testing. Allele origin: germline.
Comment: This variant was observed as part of a predisposition screen in an ostensibly healthy population. A literature search was performed for the gene, cDNA change, and amino acid change (where applicable). Publications were found based on this search. However, the evidence from the literature, in combination with allele frequency data from public databases where available, was not sufficient to rule this variant in or out of causing disease. Therefore, this variant is classified as a variant of unknown significance.

Literature cited by the submitters: PubMed 20884265.

NM_000026.4(ADSL):c.872C>T (p.Ala291Val)

Gene: ADSL (adenylosuccinate lyase; plus strand). Cytogenetic location: 22q13.1.
Variant type: single nucleotide variant.
Coding change: c.872C>T on transcript NM_000026.4 (MANE Select); coding-DNA position 872, C replaced by T.
Protein change: p.Ala291Val; replaces alanine 291 with valine.
Molecular consequence: missense variant. On other transcripts: non-coding transcript variant (1).
Genome position (GRCh38, 1-based): chr22:40,361,497, C>T. VCF-style: chr22-40361497-C-T. GRCh37 (hg19) VCF-style: chr22-40757501-C-T.
Other names: c.872C>T, p.Ala291Val (NM_001123378.3, NM_001363840.3); c.680C>T, p.Ala227Val (NM_001317923.2); short protein forms A227V, A291V.
Identifiers: ClinVar variation 903536 (VCV000903536.4), dbSNP rs2044788378, ClinGen allele CA411643788.